The following is an entry in ClinVar:

NM_000264.5(PTCH1):c.583A>G (p.Arg195Gly)

Gene: PTCH1 (patched 1; minus strand). Cytogenetic location: 9q22.32.
Variant type: single nucleotide variant.
Coding change: c.583A>G on transcript NM_000264.5 (MANE Select); coding-DNA position 583, A replaced by G.
Protein change: p.Arg195Gly; replaces arginine 195 with glycine.
Molecular consequence: missense variant. On other transcripts: non-coding transcript variant (1).
Genome position (GRCh38, 1-based): chr9:95,485,686, T>C on the plus strand (A>G on the coding strand, the complement: PTCH1 is on the minus strand). VCF-style: chr9-95485686-T-C. GRCh37 (hg19) VCF-style: chr9-98247968-T-C.
Other names: c.385A>G, p.Arg129Gly (NM_001083602.3, NM_001354919.2); c.580A>G, p.Arg194Gly (NM_001083603.3); c.130A>G, p.Arg44Gly (NM_001083604.3, NM_001083605.3, NM_001083606.3 and 1 more transcripts); c.583A>G, p.Arg195Gly (NM_001354918.2); short protein forms R129G, R194G, R195G, R44G.
Identifiers: ClinVar variation 4292518 (VCV004292518.1).

ClinVar aggregate classification (germline): Uncertain significance (1 of 4 stars; one submission).

Conditions:
PTCH1-related disorder. Also called: PTCH1-related disorders; PTCH1-related condition.

Submission:

3billion
Classification: Uncertain significance for PTCH1-related disorder. Last evaluated: 2024-06-12. Review status: criteria provided, single submitter. Criteria: ACMG Guidelines, 2015. Collection method: clinical testing. Allele origin: germline. Affected: yes.
Comment: The variant is not observed in the gnomAD v4.0.0 dataset. Predicted Consequence/Location: The majority of the known disease-causing variants of this gene are variants expected to result in premature termination of the protein. In silico tools predict the variant to alter splicing and produce an abnormal transcript [SpliceAI: 0.86 (>=0.2, moderate evidence for spliceogenicity)]. Different missense changes at the same codon (p.Arg195Lys, p.Arg195Thr) have been reported as pathogenic/likely pathogenic with strong evidence (ClinVar ID: VCV000453903, VCV001076491 /PMID: 16203740). Therefore, this variant is classified as VUS according to the recommendation of ACMG/AMP guideline.

Literature cited by the submitters: PubMed 16203740.